The following is an entry in ClinVar:

NM_000204.5(CFI):c.866A>T (p.Asp289Val)

Gene: CFI (complement factor I; minus strand). Cytogenetic location: 4q25.
Variant type: single nucleotide variant.
Coding change: c.866A>T on transcript NM_000204.5 (MANE Select); coding-DNA position 866, A replaced by T.
Protein change: p.Asp289Val; replaces aspartic acid 289 with valine.
Molecular consequence: missense variant. On other transcripts: non-coding transcript variant (3).
Genome position (GRCh38, 1-based): chr4:109,760,287, T>A on the plus strand (A>T on the coding strand, the complement: CFI is on the minus strand). VCF-style: chr4-109760287-T-A. GRCh37 (hg19) VCF-style: chr4-110681443-T-A.
Other names: c.866A>T, p.Asp289Val (NM_001318057.2, NM_001331035.2, NM_001375278.1 and 10 more transcripts); c.257A>T, p.Asp86Val (NM_001375284.1); short protein forms D289V, D86V.
Identifiers: ClinVar variation 4280456 (VCV004280456.2).
Genomic context (GRCh38, chr4:109,760,287, plus strand): 5'-GGATTCAATAATGAAAAAAAGTCACCCCAAGTCTTTCAATTACCTGCACAGCCAACTTCA[T>A]CTTCCCCTGTAATGCAGTCCACCTCACCATTGCATTGATACTGGCTTGGAATGCAAACAC-3'
Protein context (NP_000195.3, residues 279-299): NGEVDCITGE[Asp289Val]EVGCAGFASV

ClinVar aggregate classification (germline): Likely pathogenic (1 of 4 stars; one submission).

Conditions:
Factor I deficiency (CFID). Also called: Complement factor I deficiency. Identifiers: Orphanet 200418, MedGen C3463916, MONDO:0012594, OMIM 610984.

Submission:

Genomenon, Inc
Classification: Likely pathogenic for Factor I deficiency. Last evaluated: 2026-09-17. Review status: criteria provided, single submitter. Criteria: Genomenon Sequence Variant Interpretation Standards - Updated. Collection method: curation. Allele origin: germline. Affected: yes.
Comment: CFI p.Asp289Val (c.866A>T) is a missense variant that changes the amino acid at codon 289 from Aspartic acid to Valine. This variant has been observed in at least one proband affected with complement factor I deficiency (PMID:21316765). At least one functional study has demonstrated a substantial alteration in protein function relative to the wild-type (PMID:21316765). It is absent or not present at a significant frequency in gnomAD. In silico models predict that this variant is possibly or probably damaging. In conclusion, we classify CFI p.Asp289Val (c.866A>T) as a likely pathogenic variant.

Literature cited by the submitters: PubMed 21316765.